The following is an entry in ClinVar:

ClinVar aggregate classification (germline): Uncertain significance. Review status: criteria provided, multiple submitters, no conflicts (2 of 4 stars). 2 submissions from 2 submitters: Uncertain significance (2). Last evaluated 2025-01-18.

Conditions:
Inborn genetic diseases. Identifiers: MedGen C0950123, MeSH D030342.

gnomAD v4.1: 156 of 1,613,838 alleles (0.0097%); highest among the groups gnomAD compares: Admixed American, 0.018%; no homozygotes.

Submissions (2):

Ambry Genetics
Classification: Uncertain significance for Inborn genetic diseases. Last evaluated: 2025-01-18. Review status: criteria provided, single submitter. Criteria: Ambry Variant Classification Scheme 2023. Collection method: clinical testing. Allele origin: germline.

GeneDx
Classification: Uncertain significance. Last evaluated: 2023-06-13. Review status: criteria provided, single submitter. Criteria: GeneDx Variant Classification Process June 2021. Collection method: clinical testing. Allele origin: germline. Affected: yes.
Comment: In silico analysis supports that this missense variant has a deleterious effect on protein structure/function; Has not been previously published as pathogenic or benign to our knowledge

NM_001080477.4(TENM3):c.6503C>T (p.Ala2168Val)

Gene: TENM3 (teneurin transmembrane protein 3; plus strand). Cytogenetic location: 4q35.1.
Variant type: single nucleotide variant.
Coding change: c.6503C>T on transcript NM_001080477.4 (MANE Select); coding-DNA position 6503, C replaced by T.
Protein change: p.Ala2168Val; replaces alanine 2168 with valine.
Molecular consequence: missense variant.
Genome position (GRCh38, 1-based): chr4:182,793,175, C>T. VCF-style: chr4-182793175-C-T. GRCh37 (hg19) VCF-style: chr4-183714328-C-T.
Other names: c.5735C>T, p.Ala1912Val (NM_001415960.1); c.5708C>T, p.Ala1903Val (NM_001415961.1); c.5705C>T, p.Ala1902Val (NM_001415962.1); c.5687C>T, p.Ala1896Val (NM_001415963.1); c.5684C>T, p.Ala1895Val (NM_001415964.1); c.6221C>T, p.Ala2074Val (NM_001415966.1); c.6245C>T, p.Ala2082Val (NM_001415967.1); c.6521C>T, p.Ala2174Val (NM_001415968.1); and 4 more; short protein forms A1895V, A1896V, A1902V, A1903V, A1912V, A2074V, A2075V, A2082V.
Identifiers: ClinVar variation 3359816 (VCV003359816.2).